The following is an entry in ClinVar:

ClinVar aggregate classification (germline): Benign. Review status: criteria provided, multiple submitters, no conflicts (2 of 4 stars). 10 submissions from 8 submitters: Benign (9). 1 of the submissions does not count toward it. Last evaluated 2026-02-04.

Conditions:
Gnathodiaphyseal dysplasia (GDD). Also called: OSTEOGENESIS IMPERFECTA WITH UNUSUAL SKELETAL LESIONS; GNATHODIAPHYSEAL SCLEROSIS. Identifiers: Orphanet 53697, MedGen C1833736, MONDO:0008151, OMIM 166260.
Autosomal recessive limb-girdle muscular dystrophy type 2L (LGMDR12). Also called: Limb-Girdle Muscular Dystrophy R12 Anoctamin-5-Related (LGMD-R12); Limb-girdle muscular dystrophy, type 2L; MUSCULAR DYSTROPHY, LIMB-GIRDLE, AUTOSOMAL RECESSIVE 12. Identifiers: Orphanet 206549, MedGen C1969785, MONDO:0012652, OMIM 611307.
Miyoshi muscular dystrophy 3 (MMD3). Also called: Miyoshi myopathy 3; Miyoshi Muscular Dystrophy 3 (MMD3). Identifiers: Orphanet 399096, MedGen C2750076, MONDO:0013222, OMIM 613319.

Allele frequency attached by ClinVar (database versions not stated): gnomAD exomes 0.00596 and 0.01612; TOPMed 0.06639; ExAC 0.02543; gnomAD 0.05932 and 0.06440; 1000 Genomes Project 0.06370; ESP Exome Variant Server 0.06634; 1000 Genomes Project 30x 0.06855.
gnomAD v4.1: 17,773 of 1,557,140 alleles (1.1%); highest among the groups gnomAD compares: African/African-American, 21%; 1,643 homozygotes.

Submissions (10):

Labcorp Genetics (formerly Invitae), Labcorp
Classification: Benign for Autosomal recessive limb-girdle muscular dystrophy type 2L; Gnathodiaphyseal dysplasia. Last evaluated: 2026-02-04. Review status: criteria provided, single submitter. Criteria: Invitae Variant Classification Sherloc (09022015). Collection method: clinical testing. Allele origin: germline.

Genome-Nilou Lab
Classification: Benign for Gnathodiaphyseal dysplasia. Last evaluated: 2021-12-05. Review status: criteria provided, single submitter. Criteria: ACMG Guidelines, 2015. Collection method: clinical testing. Allele origin: germline. Affected: no.

Genome-Nilou Lab
Classification: Benign for Miyoshi muscular dystrophy 3. Last evaluated: 2021-12-05. Review status: criteria provided, single submitter. Criteria: ACMG Guidelines, 2015. Collection method: clinical testing. Allele origin: germline. Affected: no.

Genome-Nilou Lab
Classification: Benign for Autosomal recessive limb-girdle muscular dystrophy type 2L. Last evaluated: 2021-12-05. Review status: criteria provided, single submitter. Criteria: ACMG Guidelines, 2015. Collection method: clinical testing. Allele origin: germline. Affected: no.

Fulgent Genetics
Classification: Benign for Gnathodiaphyseal dysplasia; Autosomal recessive limb-girdle muscular dystrophy type 2L; Miyoshi muscular dystrophy 3. Last evaluated: 2021-08-24. Review status: criteria provided, single submitter. Criteria: ACMG Guidelines, 2015. Collection method: clinical testing. Allele origin: unknown.

Eurofins Ntd Llc (ga)
Classification: Benign. Last evaluated: 2018-07-27. Review status: criteria provided, single submitter. Criteria: EGL ClinVar v180209 classification definitions. Collection method: clinical testing. Allele origin: germline. Observed: 3 variant alleles, 3 heterozygotes.

GeneDx
Classification: Benign. Last evaluated: 2016-02-16. Review status: criteria provided, single submitter. Criteria: GeneDx Variant Classification (06012015). Collection method: clinical testing. Allele origin: germline. Affected: yes.
Comment: This variant is considered likely benign or benign based on one or more of the following criteria: it is a conservative change, it occurs at a poorly conserved position in the protein, it is predicted to be benign by multiple in silico algorithms, and/or has population frequency not consistent with disease.

Breakthrough Genomics
Classification: Benign. Review status: criteria provided, single submitter. Criteria: ACMG Guidelines, 2015. Collection method: not provided. Allele origin: germline. Inheritance: Autosomal recessive inheritance. Affected: yes.

PreventionGenetics, part of Exact Sciences
Classification: Benign. Review status: criteria provided, single submitter. Criteria: ACMG Guidelines, 2015. Collection method: clinical testing. Allele origin: germline.

ANO5 @LOVD
No classification provided. Review status: no classification provided. Collection method: not provided. Allele origin: unknown. Not counted in ClinVar's aggregate classification.

NM_213599.3(ANO5):c.879-18T>C

Gene: ANO5 (anoctamin 5; plus strand). Cytogenetic location: 11p14.3.
Variant type: single nucleotide variant.
Coding change: c.879-18T>C on transcript NM_213599.3 (MANE Select); 18 bases into the intron before coding-DNA position 879, T replaced by C.
Molecular consequence: intron variant.
Genome position (GRCh38, 1-based): chr11:22,250,219, T>C. VCF-style: chr11-22250219-T-C. GRCh37 (hg19) VCF-style: chr11-22271765-T-C.
Other names: c.876-18T>C (NM_001142649.2).
Identifiers: ClinVar variation 96686 (VCV000096686.16), dbSNP rs7104758, ClinGen allele CA149677.
Genomic context (GRCh38, chr11:22,250,219, plus strand): 5'-CCTGTCTGAATACAAAATCAAGGCTCCAGACTATAACATTCTTCCATATTCTGATTCTGT[T>C]TTTACTCTTTTTCACAGGAATTATTATGGAGAAAAAATTGGTATCTATTTTGTCTTTCTT-3'